The following is an entry in ClinVar:

ClinVar aggregate classification (germline): Pathogenic. Review status: criteria provided, single submitter (1 of 4 stars). 2 submissions from 2 submitters: Pathogenic (1). 1 of the submissions does not count toward it. Last evaluated 2019-10-04.

Conditions:
Familial isolated deficiency of vitamin E (AVED). Also called: Ataxia with isolated vitamin E deficiency; ATAXIA, FRIEDREICH-LIKE, WITH SELECTIVE VITAMIN E DEFICIENCY. Identifiers: Orphanet 96, MedGen C1848533, MONDO:0010188, OMIM 277460.

Allele frequency attached by ClinVar (database versions not stated): TOPMed 0.00001.

Submissions (2):

Labcorp Genetics (formerly Invitae), Labcorp
Classification: Pathogenic. Last evaluated: 2019-10-04. Review status: criteria provided, single submitter. Criteria: Invitae Variant Classification Sherloc (09022015). Collection method: clinical testing. Allele origin: germline.
Comment: This sequence change affects an acceptor splice site in intron 1 of the TTPA gene. It is expected to disrupt RNA splicing and likely results in an absent or disrupted protein product. This variant is not present in population databases (ExAC no frequency). Disruption of this splice site has been observed in individuals affected with ataxia with isolated vitamin E deficiency (PMID: 24369383, 9463307). ClinVar contains an entry for this variant (Variation ID: 267261). Algorithms developed to predict the effect of sequence changes on RNA splicing suggest that this variant may disrupt the consensus splice site, but this prediction has not been confirmed by published transcriptional studies. Donor and acceptor splice site variants typically lead to a loss of protein function (PMID: 16199547), and loss-of-function variants in TTPA are known to be pathogenic (PMID: 9463307, 26068213). For these reasons, this variant has been classified as Pathogenic.

GeneReviews
No classification provided. Condition: Familial isolated deficiency of vitamin E. Review status: no classification provided. Collection method: literature only. Allele origin: germline. Affected: yes. Not counted in ClinVar's aggregate classification.

Literature cited by the submitters: PubMed 24369383 (cited by Labcorp Genetics (formerly Invitae), Labcorp and GeneReviews); PubMed 9463307 (cited by Labcorp Genetics (formerly Invitae), Labcorp); PubMed 16199547 (cited by Labcorp Genetics (formerly Invitae), Labcorp); PubMed 26068213 (cited by Labcorp Genetics (formerly Invitae), Labcorp); NCBI Bookshelf NBK1241 (cited by GeneReviews).

NM_000370.3(TTPA):c.205-1G>T

Gene: TTPA (alpha tocopherol transfer protein; minus strand). Cytogenetic location: 8q12.3.
Variant type: single nucleotide variant.
Coding change: c.205-1G>T on transcript NM_000370.3 (MANE Select); the canonical splice acceptor site of the intron before coding-DNA position 205, G replaced by T.
Molecular consequence: splice acceptor variant. On other transcripts: intron variant (2).
Genome position (GRCh38, 1-based): chr8:63,073,089, C>A on the plus strand (G>T on the coding strand, the complement: TTPA is on the minus strand). VCF-style: chr8-63073089-C-A. GRCh37 (hg19) VCF-style: chr8-63985648-C-A.
Other names: c.205-11664G>T (NM_001413417.1); c.205-8773G>T (NM_001413414.1); c.205-1G>T (NM_001413415.1, NM_001413416.1, NM_001413418.1).
Identifiers: ClinVar variation 267261 (VCV000267261.12), dbSNP rs886040963, ClinGen allele CA10590095.